The following is an entry in ClinVar:

NM_002474.3(MYH11):c.727-129T>C

Gene: MYH11 (myosin heavy chain 11; minus strand). Cytogenetic location: 16p13.11.
Variant type: single nucleotide variant.
Coding change: c.727-129T>C on transcript NM_002474.3 (MANE Select); 129 bases into the intron before coding-DNA position 727, T replaced by C.
Molecular consequence: intron variant.
Genome position (GRCh38, 1-based): chr16:15,778,972, A>G on the plus strand (T>C on the coding strand, the complement: MYH11 is on the minus strand). VCF-style: chr16-15778972-A-G. GRCh37 (hg19) VCF-style: chr16-15872829-A-G.
Other names: c.727-129T>C (NM_022844.3); c.748-129T>C (NM_001040114.2, NM_001040113.2).
Identifiers: ClinVar variation 673136 (VCV000673136.2), dbSNP rs62030562, ClinGen allele CA278596470.
Genomic context (GRCh38, chr16:15,778,972, plus strand): 5'-AGCAGGAGGCAGATGGTACAGAGGATGGGAGGTGGGGCGGGGAGATTCTTGCGAACACTC[A>G]GAACCCCACAGGTCAAGTTGTCAGGCGGAACCAACATCTGCTGAGCTGAAACCACCCCAG-3'

ClinVar aggregate classification (germline): Benign. Review status: criteria provided, multiple submitters, no conflicts (2 of 4 stars). 2 submissions from 2 submitters: Benign (2). Last evaluated 2018-06-14.

Allele frequency attached by ClinVar (database versions not stated): 1000 Genomes Project 0.04573; 1000 Genomes Project 30x 0.04653; gnomAD exomes 0.05281; gnomAD 0.05707 and 0.05868; TOPMed 0.06067.

Submissions (2):

GeneDx
Classification: Benign. Last evaluated: 2018-06-14. Review status: criteria provided, single submitter. Criteria: GeneDx Variant Classification (06012015). Collection method: clinical testing. Allele origin: germline. Affected: yes.
Comment: This variant is considered likely benign or benign based on one or more of the following criteria: it is a conservative change, it occurs at a poorly conserved position in the protein, it is predicted to be benign by multiple in silico algorithms, and/or has population frequency not consistent with disease.

Breakthrough Genomics
Classification: Benign. Review status: criteria provided, single submitter. Criteria: ACMG Guidelines, 2015. Collection method: not provided. Allele origin: germline. Inheritance: Autosomal recessive inheritance. Affected: yes.